The following is an entry in ClinVar:

ClinVar aggregate classification (germline): Uncertain significance (1 of 4 stars; one submission).

Allele frequency attached by ClinVar (database versions not stated): gnomAD exomes 0.00008; ExAC 0.00011; gnomAD 0.00015 and 0.00016; TOPMed 0.00016; ESP Exome Variant Server 0.00031.
gnomAD v4.1: 47 of 1,613,704 alleles (0.0029%); highest among the groups gnomAD compares: African/African-American, 0.037%; no homozygotes.

Submission:

Labcorp Genetics (formerly Invitae), Labcorp
Classification: Uncertain significance. Last evaluated: 2025-11-17. Review status: criteria provided, single submitter. Criteria: Invitae Variant Classification Sherloc (09022015). Collection method: clinical testing. Allele origin: germline.
Comment: This sequence change falls in intron 4 of the MYH3 gene. It does not directly change the encoded amino acid sequence of the MYH3 protein. It affects a nucleotide within the consensus splice site. This variant is present in population databases (rs377515183, gnomAD 0.06%). This variant has not been reported in the literature in individuals affected with MYH3-related conditions. ClinVar contains an entry for this variant (Variation ID: 1036890). Variants that disrupt the consensus splice site are a relatively common cause of aberrant splicing (PMID: 17576681, 9536098). Algorithms developed to predict the effect of sequence changes on RNA splicing suggest that this variant is not likely to affect RNA splicing. In summary, the available evidence is currently insufficient to determine the role of this variant in disease. Therefore, it has been classified as a Variant of Uncertain Significance.

Literature cited by the submitters: PubMed 17576681; PubMed 9536098.

NM_002470.4(MYH3):c.348+6C>T

Gene: MYH3 (myosin heavy chain 3; minus strand). Cytogenetic location: 17p13.1.
Variant type: single nucleotide variant.
Coding change: c.348+6C>T on transcript NM_002470.4 (MANE Select); 6 bases into the intron after coding-DNA position 348, C replaced by T.
Molecular consequence: intron variant.
Genome position (GRCh38, 1-based): chr17:10,652,414, G>A on the plus strand (C>T on the coding strand, the complement: MYH3 is on the minus strand). VCF-style: chr17-10652414-G-A. GRCh37 (hg19) VCF-style: chr17-10555731-G-A.
Identifiers: ClinVar variation 1036890 (VCV001036890.5), dbSNP rs377515183, ClinGen allele CA8393339.
Genomic context (GRCh38, chr17:10,652,414, plus strand): 5'-TCTGCCTCCCTCCCCTGCCCGCATATCTAATGCCCCAGGGAAACCACGTCGAAAGCCCTC[G>A]CTGACATAGATCATCCAAGATGTGTAACGGTCCTTCAGGTTGTACAGCACGGCTGGCTCA-3'